The following is an entry in ClinVar:

ClinVar aggregate classification (germline): Uncertain significance (1 of 4 stars; one submission).

Conditions:
Immunodeficiency 39 (IMD39). Identifiers: Orphanet 574918, MedGen C4225358, MONDO:0014597, OMIM 616345.

Allele frequency attached by ClinVar (database versions not stated): gnomAD exomes below 0.00001; TOPMed below 0.00001.
gnomAD v4.1: 4 of 1,608,586 alleles (0.00025%); highest among the groups gnomAD compares: Non-Finnish European, 0.00034%; no homozygotes.

Submission:

Labcorp Genetics (formerly Invitae), Labcorp
Classification: Uncertain significance for Immunodeficiency 39. Last evaluated: 2025-05-12. Review status: criteria provided, single submitter. Criteria: Invitae Variant Classification Sherloc (09022015). Collection method: clinical testing. Allele origin: germline.
Comment: This sequence change replaces histidine, which is basic and polar, with asparagine, which is neutral and polar, at codon 174 of the IRF7 protein (p.His174Asn). This variant is not present in population databases (gnomAD no frequency). This variant has not been reported in the literature in individuals affected with IRF7-related conditions. ClinVar contains an entry for this variant (Variation ID: 1979037). Invitae Evidence Modeling of protein sequence and biophysical properties (such as structural, functional, and spatial information, amino acid conservation, physicochemical variation, residue mobility, and thermodynamic stability) indicates that this missense variant is not expected to disrupt IRF7 protein function with a negative predictive value of 80%. In summary, the available evidence is currently insufficient to determine the role of this variant in disease. Therefore, it has been classified as a Variant of Uncertain Significance.

NM_001572.5(IRF7):c.481C>A (p.His161Asn)

Gene: IRF7 (interferon regulatory factor 7; minus strand). Cytogenetic location: 11p15.5.
Variant type: single nucleotide variant.
Coding change: c.481C>A on transcript NM_001572.5 (MANE Select); coding-DNA position 481, C replaced by A.
Protein change: p.His161Asn; replaces histidine 161 with asparagine.
Molecular consequence: missense variant.
Genome position (GRCh38, 1-based): chr11:614,372, G>T on the plus strand (C>A on the coding strand, the complement: IRF7 is on the minus strand). VCF-style: chr11-614372-G-T. GRCh37 (hg19) VCF-style: chr11-614372-G-T.
Other names: c.481C>A, p.His161Asn (NM_004029.4); c.520C>A, p.His174Asn (NM_004031.4); short protein forms H161N, H174N.
Identifiers: ClinVar variation 1979037 (VCV001979037.4), dbSNP rs1856690747, ClinGen allele CA378982341.